The following is an entry in ClinVar:

NM_206933.4(USH2A):c.651+5G>A

Gene: USH2A (usherin; minus strand). Cytogenetic location: 1q41.
Variant type: single nucleotide variant.
Coding change: c.651+5G>A on transcript NM_206933.4 (MANE Select); 5 bases into the intron after coding-DNA position 651, G replaced by A.
Molecular consequence: intron variant.
Genome position (GRCh38, 1-based): chr1:216,418,509, C>T on the plus strand (G>A on the coding strand, the complement: USH2A is on the minus strand). VCF-style: chr1-216418509-C-T. GRCh37 (hg19) VCF-style: chr1-216591851-C-T.
Other names: c.651+5G>A (NM_007123.6).
Identifiers: ClinVar variation 4857283 (VCV004857283.1).

ClinVar aggregate classification (germline): Uncertain significance (1 of 4 stars; one submission).

Conditions:
Retinitis pigmentosa 39 (RP39). Identifiers: Orphanet 791, MedGen C3151138, MONDO:0013436, OMIM 613809.

Submission:

MVZ Medizinische Genetik Mainz
Classification: Uncertain significance for Retinitis pigmentosa 39. Last evaluated: 2026-05-27. Review status: criteria provided, single submitter. Criteria: UK Practice Guidelines For Variant Classification V4 01 2020. Collection method: clinical testing. Allele origin: germline. Inheritance: Autosomal recessive inheritance. Affected: yes. Observed: 1 variant allele.
Comment: ACMG Criteria: PM2_SUP,PP3